The following is an entry in ClinVar:

NM_001366057.1(OTUD4):c.809-7_809-6del

Gene: OTUD4 (OTU deubiquitinase 4; minus strand). Cytogenetic location: 4q31.21.
Variant type: Deletion.
Coding change: c.809-7_809-6del on transcript NM_001366057.1 (MANE Select); 7 bases into the intron before coding-DNA position 809 through 6 bases into the intron before coding-DNA position 809, 2 bases deleted (TT; older notation c.809-7_809-6delTT).
Molecular consequence: intron variant.
Genome position (GRCh38, 1-based): chr4:145,155,481-145,155,482, AA deleted on the plus strand (TT on the coding strand, the reverse complement: OTUD4 is on the minus strand); deleting any 2 consecutive bases within chr4:145,155,481-145,155,491 gives the same sequence; the c. name uses the placement nearest the transcript's 3' end. VCF-style (leftmost placement, unchanged base first): chr4-145155480-TAA-T. GRCh37 (hg19) VCF-style: chr4-146076632-TAA-T.
Other names: c.614-7_614-6del (NM_001102653.1); c.614-7_614-6delTT (NM_001102653.1).
Identifiers: ClinVar variation 3046046 (VCV003046046.2), dbSNP rs36225839, ClinGen allele CA3094564.

ClinVar aggregate classification (germline): Likely benign (0 of 4 stars; one submission).

Conditions:
OTUD4-related disorder. Also called: OTUD4-related condition.

Submission:

PreventionGenetics, part of Exact Sciences
Classification: Likely benign for OTUD4-related condition. Last evaluated: 2019-10-28. Review status: no assertion criteria provided. Collection method: clinical testing. Allele origin: germline.
Comment: This variant is classified as likely benign based on ACMG/AMP sequence variant interpretation guidelines (Richards et al. 2015 PMID: 25741868, with internal and published modifications).